The following is an entry in ClinVar:

NM_022082.4(SLC17A9):c.316G>A (p.Val106Ile)

Gene: SLC17A9 (solute carrier family 17 member 9; plus strand). Cytogenetic location: 20q13.33.
Variant type: single nucleotide variant.
Coding change: c.316G>A on transcript NM_022082.4 (MANE Select); coding-DNA position 316, G replaced by A.
Protein change: p.Val106Ile; replaces valine 106 with isoleucine.
Molecular consequence: missense variant.
Genome position (GRCh38, 1-based): chr20:62,957,499, G>A. VCF-style: chr20-62957499-G-A. GRCh37 (hg19) VCF-style: chr20-61588851-G-A.
Other names: c.298G>A, p.Val100Ile (NM_001302643.2); short protein forms V100I, V106I.
Identifiers: ClinVar variation 3040082 (VCV003040082.9), dbSNP rs201271567, ClinGen allele CA9952850.

ClinVar aggregate classification (germline): Likely benign. Review status: criteria provided, single submitter (1 of 4 stars). 2 submissions from 2 submitters: Likely benign (1). 1 of the submissions does not count toward it. Last evaluated 2025-03-01.

Conditions:
SLC17A9-related disorder. Also called: SLC17A9-related condition.

Allele frequency attached by ClinVar (database versions not stated): gnomAD exomes 0.00013; ExAC 0.00043; 1000 Genomes Project 30x 0.00109; ESP Exome Variant Server 0.00109; 1000 Genomes Project 0.00120; gnomAD 0.00123; TOPMed 0.00150.
gnomAD v4.1: 384 of 1,609,548 alleles (0.024%); highest among the groups gnomAD compares: African/African-American, 0.44%; 2 homozygotes.

Submissions (2):

CeGaT Center for Human Genetics Tuebingen
Classification: Likely benign. Last evaluated: 2025-03-01. Review status: criteria provided, single submitter. Criteria: CeGaT Center For Human Genetics Tuebingen Variant Classification Criteria Version 2. Collection method: clinical testing. Allele origin: germline. Affected: yes. Observed: 1 variant allele.
Comment: SLC17A9: BP4, BS1

PreventionGenetics, part of Exact Sciences
Classification: Benign for SLC17A9-related condition. Last evaluated: 2019-09-27. Review status: no assertion criteria provided. Collection method: clinical testing. Allele origin: germline. Not counted in ClinVar's aggregate classification.
Comment: This variant is classified as benign based on ACMG/AMP sequence variant interpretation guidelines (Richards et al. 2015 PMID: 25741868, with internal and published modifications).